The following is an entry in ClinVar:

ClinVar aggregate classification (germline): Uncertain significance. Review status: criteria provided, multiple submitters, no conflicts (2 of 4 stars). 2 submissions from 2 submitters: Uncertain significance (2). Last evaluated 2024-01-30.

Conditions:
Inborn genetic diseases. Identifiers: MedGen C0950123, MeSH D030342.

Allele frequency attached by ClinVar (database versions not stated): ExAC 0.00001; gnomAD exomes 0.00001; TOPMed 0.00002; gnomAD 0.00003; ESP Exome Variant Server 0.00015.
gnomAD v4.1: 18 of 1,613,994 alleles (0.0011%); highest among the groups gnomAD compares: African/African-American, 0.004%; no homozygotes.

Submissions (2):

Labcorp Genetics (formerly Invitae), Labcorp
Classification: Uncertain significance. Last evaluated: 2024-01-30. Review status: criteria provided, single submitter. Criteria: Invitae Variant Classification Sherloc (09022015). Collection method: clinical testing. Allele origin: germline.
Comment: This sequence change replaces serine, which is neutral and polar, with isoleucine, which is neutral and non-polar, at codon 275 of the FAM111A protein (p.Ser275Ile). This variant is present in population databases (rs375633235, gnomAD 0.002%). This variant has not been reported in the literature in individuals affected with FAM111A-related conditions. ClinVar contains an entry for this variant (Variation ID: 2398120). Advanced modeling of protein sequence and biophysical properties (such as structural, functional, and spatial information, amino acid conservation, physicochemical variation, residue mobility, and thermodynamic stability) performed at Invitae indicates that this missense variant is not expected to disrupt FAM111A protein function with a negative predictive value of 80%. In summary, the available evidence is currently insufficient to determine the role of this variant in disease. Therefore, it has been classified as a Variant of Uncertain Significance.

Ambry Genetics
Classification: Uncertain significance for Inborn genetic diseases. Last evaluated: 2021-09-01. Review status: criteria provided, single submitter. Criteria: Ambry Variant Classification Scheme 2023. Collection method: clinical testing. Allele origin: germline.

NM_001312909.2(FAM111A):c.824G>T (p.Ser275Ile)

Gene: FAM111A (FAM111 trypsin like peptidase A; plus strand). Cytogenetic location: 11q12.1.
Variant type: single nucleotide variant.
Coding change: c.824G>T on transcript NM_001312909.2 (MANE Select); coding-DNA position 824, G replaced by T.
Protein change: p.Ser275Ile; replaces serine 275 with isoleucine.
Molecular consequence: missense variant.
Genome position (GRCh38, 1-based): chr11:59,152,492, G>T. VCF-style: chr11-59152492-G-T. GRCh37 (hg19) VCF-style: chr11-58919965-G-T.
Other names: c.824G>T, p.Ser275Ile (NM_001142519.3, NM_001142520.3, NM_001142521.3 and 29 more transcripts); short protein forms S275I.
Identifiers: ClinVar variation 2398120 (VCV002398120.5), dbSNP rs375633235, ClinGen allele CA6016653.